The following is an entry in ClinVar:

ClinVar aggregate classification (germline): Uncertain significance (1 of 4 stars; one submission).

Conditions:
Joubert syndrome. Also called: CEREBELLOPARENCHYMAL DISORDER IV; JOUBERT-BOLTSHAUSER SYNDROME; Familial aplasia of the vermis. Identifiers: Orphanet 475, MedGen C5979921, MONDO:0018772.
Meckel-Gruber syndrome. Also called: DYSENCEPHALIA SPLANCHNOCYSTICA; GRUBER SYNDROME; Dysencephalia splachnocystica. Identifiers: Orphanet 564, MedGen C0265215, MONDO:0018921.

Submission:

Labcorp Genetics (formerly Invitae), Labcorp
Classification: Uncertain significance for Joubert syndrome; Meckel-Gruber syndrome. Last evaluated: 2022-05-20. Review status: criteria provided, single submitter. Criteria: Invitae Variant Classification Sherloc (09022015). Collection method: clinical testing. Allele origin: germline.
Comment: In summary, the available evidence is currently insufficient to determine the role of this variant in disease. Therefore, it has been classified as a Variant of Uncertain Significance. Algorithms developed to predict the effect of missense changes on protein structure and function output the following: SIFT: "Tolerated"; PolyPhen-2: "Benign"; Align-GVGD: "Class C0". The proline amino acid residue is found in multiple mammalian species, which suggests that this missense change does not adversely affect protein function. This variant has not been reported in the literature in individuals affected with RPGRIP1L-related conditions. This variant is not present in population databases (gnomAD no frequency). This sequence change replaces leucine, which is neutral and non-polar, with proline, which is neutral and non-polar, at codon 947 of the RPGRIP1L protein (p.Leu947Pro).

NM_015272.5(RPGRIP1L):c.2840T>C (p.Leu947Pro)

Gene: RPGRIP1L (RPGRIP1 like; minus strand). Cytogenetic location: 16q12.2.
Variant type: single nucleotide variant.
Coding change: c.2840T>C on transcript NM_015272.5 (MANE Select); coding-DNA position 2840, T replaced by C.
Protein change: p.Leu947Pro; replaces leucine 947 with proline.
Molecular consequence: missense variant.
Genome position (GRCh38, 1-based): chr16:53,641,319, A>G on the plus strand (T>C on the coding strand, the complement: RPGRIP1L is on the minus strand). VCF-style: chr16-53641319-A-G. GRCh37 (hg19) VCF-style: chr16-53675231-A-G.
Other names: c.2840T>C, p.Leu947Pro (NM_001127897.4, NM_001308334.3, NM_001330538.2); short protein forms L947P.
Identifiers: ClinVar variation 1996924 (VCV001996924.4), dbSNP rs2544045631, ClinGen allele CA395927172.
Genomic context (GRCh38, chr16:53,641,319, plus strand): 5'-AAAAATTAAAAGTCACTGATACTCACTAAAACTAGTGTGCTAACAGAGGATGCTGGAGGA[A>G]GTCTTTGAACAACTTCTGGCTCTTCGCTGCGAATGAAATTTCCTAAGTCTTCAGTTGTTA-3'
Protein context (NP_056087.2, residues 937-957): RSEEPEVVQR[Leu947Pro]PPASSVSTLV